The following is an entry in ClinVar:

ClinVar aggregate classification (germline): Conflicting classifications of pathogenicity. Review status: criteria provided, conflicting classifications (1 of 4 stars). 2 submissions from 2 submitters: Pathogenic (1); Uncertain significance (1). Last evaluated 2025-10-27.

Conditions:
Hereditary cancer-predisposing syndrome. Also called: Neoplastic Syndromes, Hereditary; Tumor predisposition; Hereditary neoplastic syndrome; Hereditary Cancer Syndrome. Identifiers: Orphanet 140162, MedGen C0027672, MeSH D009386, MONDO:0015356.
Retinoblastoma (RB1). Also called: RETINOBLASTOMA, SOMATIC. Identifiers: Orphanet 790, MedGen C0035335, MeSH D012175, MONDO:0008380, OMIM 180200, HP:0009919. Disease mechanism: loss of function. Inheritance: Both sporadic and heritable forms are tested..

Submissions (2):

Ambry Genetics
Classification: Uncertain significance for Hereditary cancer-predisposing syndrome. Last evaluated: 2025-10-27. Review status: criteria provided, single submitter. Criteria: Ambry Variant Classification Scheme 2023. Collection method: clinical testing. Allele origin: germline.
Comment: The c.264+2T>C intronic variant results from a T to C substitution two nucleotides after coding exon 2 in the RB1 gene. This nucleotide position is highly conserved in available vertebrate species. This nucleotide position is highly conserved in available vertebrate species. In silico splice site analysis predicts that this alteration will weaken the native splice donor site. Alterations that disrupt the canonical splice site are expected to cause aberrant splicing, resulting in an abnormal protein or a transcript that is subject to nonsense-mediated mRNA decay; however, +2T>C alterations are capable of generating wild-type transcripts in some genomic contexts and should be interpreted with caution (Lin JH et al. Hum Mutat. 2019 10;40:1856-1873). Based on the available evidence, the clinical significance of this alteration remains unclear.

Genetic Diagnostic Laboratory, University of Pennsylvania School of Medicine
Classification: Pathogenic for Retinoblastoma. Last evaluated: 2024-05-20. Review status: criteria provided, single submitter. Criteria: ACMG Guidelines, 2015. Collection method: clinical testing. Allele origin: germline. Affected: yes. Observed: 1 variant allele.
Comment: Case and Pedigree Information: BILATERAL CASES:1, UNILATERAL CASES:0, TOTAL CASES:1, PEDIGREES:1. ACMG Codes Applied:PVS1, PM2

NM_000321.3(RB1):c.264+2T>C

Gene: RB1 (RB transcriptional corepressor 1; plus strand). Cytogenetic location: 13q14.2.
Variant type: single nucleotide variant.
Coding change: c.264+2T>C on transcript NM_000321.3 (MANE Select); the canonical splice donor site of the intron after coding-DNA position 264, T replaced by C.
Molecular consequence: splice donor variant.
Genome position (GRCh38, 1-based): chr13:48,307,408, T>C. VCF-style: chr13-48307408-T-C. GRCh37 (hg19) VCF-style: chr13-48881544-T-C.
Other names: c.264+2T>C (NM_000321.2, NM_001407165.1, NM_001407166.1 and 1 more transcripts).
Identifiers: ClinVar variation 3237116 (VCV003237116.2), dbSNP rs2542100494.
Genomic context (GRCh38, chr13:48,307,408, plus strand): 5'-ATGTCAGAGAGAGAGCTTGGTTAACTTGGGAGAAAGTTTCATCTGTGGATGGAGTATTGG[T>C]AAGGATTTTCTTAAAACGTTTTGAAATTTTTTTTTCTCATTTTAAAAACAACTTCAAATC-3'